The following is an entry in ClinVar:

ClinVar aggregate classification (germline): Uncertain significance (1 of 4 stars; one submission).

Allele frequency attached by ClinVar (database versions not stated): ExAC 0.00002; ESP Exome Variant Server 0.00008; gnomAD 0.00009; TOPMed 0.00011.
gnomAD v4.1: 24 of 1,613,024 alleles (0.0015%); highest among the groups gnomAD compares: African/African-American, 0.025%; no homozygotes.

Submission:

Labcorp Genetics (formerly Invitae), Labcorp
Classification: Uncertain significance. Last evaluated: 2022-07-20. Review status: criteria provided, single submitter. Criteria: Invitae Variant Classification Sherloc (09022015). Collection method: clinical testing. Allele origin: germline.
Comment: This sequence change replaces threonine, which is neutral and polar, with isoleucine, which is neutral and non-polar, at codon 316 of the SLC24A5 protein (p.Thr316Ile). The frequency data for this variant in the population databases is considered unreliable, as metrics indicate poor data quality at this position in the gnomAD database. This variant has not been reported in the literature in individuals affected with SLC24A5-related conditions. Algorithms developed to predict the effect of missense changes on protein structure and function output the following: SIFT: "Tolerated"; PolyPhen-2: "Benign"; Align-GVGD: "Class C0". The isoleucine amino acid residue is found in multiple mammalian species, which suggests that this missense change does not adversely affect protein function. In summary, the available evidence is currently insufficient to determine the role of this variant in disease. Therefore, it has been classified as a Variant of Uncertain Significance.

NM_205850.3(SLC24A5):c.947C>T (p.Thr316Ile)

Genes: MYEF2 (myelin expression factor 2; minus strand), SLC24A5 (solute carrier family 24 member 5; plus strand). Cytogenetic location: 15q21.1.
Variant type: single nucleotide variant.
Coding change: c.947C>T on transcript NM_205850.3 (MANE Select); coding-DNA position 947, C replaced by T.
Protein change: p.Thr316Ile; replaces threonine 316 with isoleucine.
Molecular consequence: missense variant. On other transcripts: 3 prime UTR variant (2).
Genome position (GRCh38, 1-based): chr15:48,139,044, C>T. VCF-style: chr15-48139044-C-T. GRCh37 (hg19) VCF-style: chr15-48431241-C-T.
Other names: c.*3864G>A (NM_001301210.2, NM_016132.5); short protein forms T316I.
Identifiers: ClinVar variation 2137898 (VCV002137898.1), dbSNP rs376222930, ClinGen allele CA7546014.